The following is an entry in ClinVar:

NM_022124.6(CDH23):c.5854G>A (p.Glu1952Lys)

Gene: CDH23 (cadherin related 23; plus strand). Cytogenetic location: 10q22.1.
Variant type: single nucleotide variant.
Coding change: c.5854G>A on transcript NM_022124.6 (MANE Select); coding-DNA position 5854, G replaced by A.
Protein change: p.Glu1952Lys; replaces glutamic acid 1952 with lysine.
Molecular consequence: missense variant.
Genome position (GRCh38, 1-based): chr10:71,788,973, G>A. VCF-style: chr10-71788973-G-A. GRCh37 (hg19) VCF-style: chr10-73548730-G-A.
Other names: short protein forms E1952K.
Identifiers: ClinVar variation 1928408 (VCV001928408.2), dbSNP rs1214114972, ClinGen allele CA377149363.
Genomic context (GRCh38, chr10:71,788,973, plus strand): 5'-CAACGTGCCCCATTCTGCCCCTTGCAGGATTATGACTTGCTTCTGATCTTCCTTTCTGAT[G>A]AGAATGACAACCACCCCCTCTTCACTAAAAGCACCTACCAGGCAGAGGTGATGGAAAACT-3'
Protein context (NP_071407.4, residues 1942-1962): YDLLLIFLSD[Glu1952Lys]NDNHPLFTKS

ClinVar aggregate classification (germline): Uncertain significance (1 of 4 stars; one submission).

Allele frequency attached by ClinVar (database versions not stated): gnomAD exomes below 0.00001.
gnomAD v4.1: 3 of 1,601,724 alleles (0.00019%); highest among the groups gnomAD compares: Admixed American, 0.0017%; no homozygotes.

Submission:

Labcorp Genetics (formerly Invitae), Labcorp
Classification: Uncertain significance. Last evaluated: 2022-03-23. Review status: criteria provided, single submitter. Criteria: Invitae Variant Classification Sherloc (09022015). Collection method: clinical testing. Allele origin: germline.
Comment: This sequence change replaces glutamic acid, which is acidic and polar, with lysine, which is basic and polar, at codon 1952 of the CDH23 protein (p.Glu1952Lys). This variant is present in population databases (no rsID available, gnomAD 0.003%). This variant has not been reported in the literature in individuals affected with CDH23-related conditions. Algorithms developed to predict the effect of missense changes on protein structure and function are either unavailable or do not agree on the potential impact of this missense change (SIFT: "Deleterious"; PolyPhen-2: "Not Available"; Align-GVGD: "Class C55"). In summary, the available evidence is currently insufficient to determine the role of this variant in disease. Therefore, it has been classified as a Variant of Uncertain Significance.